The following is an entry in ClinVar:

NM_173628.4(DNAH17):c.6270+4G>A

Genes: DNAH17 (dynein axonemal heavy chain 17; minus strand), DNAH17-AS1 (DNAH17 antisense RNA 1; plus strand). Cytogenetic location: 17q25.3.
Variant type: single nucleotide variant.
Coding change: c.6270+4G>A on transcript NM_173628.4 (MANE Select); 4 bases into the intron after coding-DNA position 6270, G replaced by A.
Molecular consequence: intron variant.
Genome position (GRCh38, 1-based): chr17:78,494,589, C>T on the plus strand (G>A on the coding strand, the complement: DNAH17 is on the minus strand). VCF-style: chr17-78494589-C-T. GRCh37 (hg19) VCF-style: chr17-76490671-C-T.
Identifiers: ClinVar variation 2648364 (VCV002648364.24), dbSNP rs562527791, ClinGen allele CA8802860.

ClinVar aggregate classification (germline): Likely benign (1 of 4 stars; one submission).

Allele frequency attached by ClinVar (database versions not stated): ExAC 0.00001; gnomAD 0.00003; TOPMed 0.00004; 1000 Genomes Project 30x 0.00016; 1000 Genomes Project 0.00020.
gnomAD v4.1: 32 of 1,613,366 alleles (0.002%); highest among the groups gnomAD compares: African/African-American, 0.008%; no homozygotes.

Submission:

CeGaT Center for Human Genetics Tuebingen
Classification: Likely benign. Last evaluated: 2024-01-01. Review status: criteria provided, single submitter. Criteria: CeGaT Center For Human Genetics Tuebingen Variant Classification Criteria Version 2. Collection method: clinical testing. Allele origin: germline. Affected: yes. Observed: 2 variant alleles.
Comment: DNAH17: BP4